The following is an entry in ClinVar:

NM_001909.5(CTSD):c.457C>T (p.Gln153Ter)

Gene: CTSD (cathepsin D; minus strand). Cytogenetic location: 11p15.5.
Variant type: single nucleotide variant.
Coding change: c.457C>T on transcript NM_001909.5 (MANE Select); coding-DNA position 457, C replaced by T.
Protein change: p.Gln153Ter; replaces glutamine 153 with a stop codon.
Molecular consequence: nonsense.
Genome position (GRCh38, 1-based): chr11:1,758,983, G>A on the plus strand (C>T on the coding strand, the complement: CTSD is on the minus strand). VCF-style: chr11-1758983-G-A. GRCh37 (hg19) VCF-style: chr11-1780213-G-A.
Other names: short protein forms Q153*.
Identifiers: ClinVar variation 2985561 (VCV002985561.3), dbSNP rs1845841728, ClinGen allele CA379097223.

ClinVar aggregate classification (germline): Pathogenic (1 of 4 stars; one submission).

Conditions:
Neuronal ceroid lipofuscinosis. Also called: Neuronal Ceroid Lipofuscinoses. Identifiers: Orphanet 216, Orphanet 79263, MedGen C0027877, MONDO:0016295. Disease mechanism: loss of function.

Submission:

Labcorp Genetics (formerly Invitae), Labcorp
Classification: Pathogenic for Neuronal ceroid lipofuscinosis. Last evaluated: 2023-08-02. Review status: criteria provided, single submitter. Criteria: Invitae Variant Classification Sherloc (09022015). Collection method: clinical testing. Allele origin: germline.
Comment: This sequence change creates a premature translational stop signal (p.Gln153*) in the CTSD gene. It is expected to result in an absent or disrupted protein product. Loss-of-function variants in CTSD are known to be pathogenic (PMID: 16670177, 26059544). This variant is not present in population databases (gnomAD no frequency). This variant has not been reported in the literature in individuals affected with CTSD-related conditions. For these reasons, this variant has been classified as Pathogenic.

Literature cited by the submitters: PubMed 16670177; PubMed 26059544.